The following is an entry in ClinVar:

NM_018060.4(IARS2):c.555A>T (p.Arg185Ser)

Gene: IARS2 (isoleucyl-tRNA synthetase 2, mitochondrial; plus strand). Cytogenetic location: 1q41.
Variant type: single nucleotide variant.
Coding change: c.555A>T on transcript NM_018060.4 (MANE Select); coding-DNA position 555, A replaced by T.
Protein change: p.Arg185Ser; replaces arginine 185 with serine.
Molecular consequence: missense variant.
Genome position (GRCh38, 1-based): chr1:220,102,133, A>T. VCF-style: chr1-220102133-A-T. GRCh37 (hg19) VCF-style: chr1-220275475-A-T.
Other names: short protein forms R185S.
Identifiers: ClinVar variation 1326254 (VCV001326254.6), dbSNP rs201046842, ClinGen allele CA1401153.

ClinVar aggregate classification (germline): Uncertain significance. Review status: criteria provided, multiple submitters, no conflicts (2 of 4 stars). 3 submissions from 3 submitters: Uncertain significance (3). Last evaluated 2024-07-27.

Conditions:
Inborn genetic diseases. Identifiers: MedGen C0950123, MeSH D030342.

Allele frequency attached by ClinVar (database versions not stated): gnomAD 0.00004 and 0.00006; gnomAD exomes 0.00007; TOPMed 0.00007; ExAC 0.00010.
gnomAD v4.1: 82 of 1,595,786 alleles (0.0051%); highest among the groups gnomAD compares: Middle Eastern, 0.13%; 1 homozygote.

Submissions (3):

Ambry Genetics
Classification: Uncertain significance for Inborn genetic diseases. Last evaluated: 2024-07-27. Review status: criteria provided, single submitter. Criteria: Ambry Variant Classification Scheme 2023. Collection method: clinical testing. Allele origin: germline.

GeneDx
Classification: Uncertain significance. Last evaluated: 2024-05-05. Review status: criteria provided, single submitter. Criteria: GeneDx Variant Classification Process June 2021. Collection method: clinical testing. Allele origin: germline. Affected: yes.
Comment: In silico analysis supports that this missense variant has a deleterious effect on protein structure/function; In silico analysis is inconclusive as to whether the variant alters gene splicing. In the absence of RNA/functional studies, the actual effect of this sequence change is unknown.; Has not been previously published as pathogenic or benign to our knowledge

Labcorp Genetics (formerly Invitae), Labcorp
Classification: Uncertain significance. Last evaluated: 2022-03-12. Review status: criteria provided, single submitter. Criteria: Invitae Variant Classification Sherloc (09022015). Collection method: clinical testing. Allele origin: germline.
Comment: This sequence change replaces arginine, which is basic and polar, with serine, which is neutral and polar, at codon 185 of the IARS2 protein (p.Arg185Ser). This variant is present in population databases (rs201046842, gnomAD 0.02%). This variant has not been reported in the literature in individuals affected with IARS2-related conditions. ClinVar contains an entry for this variant (Variation ID: 1326254). Algorithms developed to predict the effect of missense changes on protein structure and function are either unavailable or do not agree on the potential impact of this missense change (SIFT: "Tolerated"; PolyPhen-2: "Possibly Damaging"; Align-GVGD: "Class C15"). Algorithms developed to predict the effect of sequence changes on RNA splicing suggest that this variant may disrupt the consensus splice site. In summary, the available evidence is currently insufficient to determine the role of this variant in disease. Therefore, it has been classified as a Variant of Uncertain Significance.